The following is an entry in ClinVar:

ClinVar aggregate classification (germline): Uncertain significance (1 of 4 stars; one submission).

Conditions:
Retinoblastoma (RB1). Also called: RETINOBLASTOMA, SOMATIC. Identifiers: Orphanet 790, MedGen C0035335, MeSH D012175, MONDO:0008380, OMIM 180200, HP:0009919. Disease mechanism: loss of function. Inheritance: Both sporadic and heritable forms are tested..

Submission:

Labcorp Genetics (formerly Invitae), Labcorp
Classification: Uncertain significance for Retinoblastoma. Last evaluated: 2025-11-26. Review status: criteria provided, single submitter. Criteria: Invitae Variant Classification Sherloc (09022015). Collection method: clinical testing. Allele origin: germline.
Comment: This sequence change replaces phenylalanine, which is neutral and non-polar, with leucine, which is neutral and non-polar, at codon 650 of the RB1 protein (p.Phe650Leu). This variant is not present in population databases (gnomAD no frequency). This variant has not been reported in the literature in individuals affected with RB1-related conditions. Invitae Evidence Modeling of protein sequence and biophysical properties (such as structural, functional, and spatial information, amino acid conservation, physicochemical variation, residue mobility, and thermodynamic stability) indicates that this missense variant is expected to disrupt RB1 protein function with a positive predictive value of 80%. In summary, the available evidence is currently insufficient to determine the role of this variant in disease. Therefore, it has been classified as a Variant of Uncertain Significance.

NM_000321.3(RB1):c.1948T>C (p.Phe650Leu)

Gene: RB1 (RB transcriptional corepressor 1; plus strand). Cytogenetic location: 13q14.2.
Variant type: single nucleotide variant.
Coding change: c.1948T>C on transcript NM_000321.3 (MANE Select); coding-DNA position 1948, T replaced by C.
Protein change: p.Phe650Leu; replaces phenylalanine 650 with leucine.
Molecular consequence: missense variant.
Genome position (GRCh38, 1-based): chr13:48,456,337, T>C. VCF-style: chr13-48456337-T-C. GRCh37 (hg19) VCF-style: chr13-49030473-T-C.
Other names: c.1948T>C, p.Phe650Leu (NM_001407165.1); short protein forms F650L.
Identifiers: ClinVar variation 4700580 (VCV004700580.1).